The following is an entry in ClinVar:

ClinVar aggregate classification (germline): Pathogenic (1 of 4 stars; one submission).

Conditions:
Leukodystrophy, hypomyelinating, 16. Identifiers: MedGen C4693779, MONDO:0054791, OMIM 617964.

Submission:

Department of Child Neurology, National Center Hospital, National Center of Neurology and Psychiatry
Classification: Pathogenic for Leukodystrophy, hypomyelinating, 16. Last evaluated: 2025-03-12. Review status: criteria provided, single submitter. Criteria: ACMG Guidelines, 2015. Collection method: research. Allele origin: de novo. Inheritance: Autosomal dominant inheritance. Affected: yes. Observed: 1 heterozygote.
Comment: The novel p.(Asp252His) variant affects the same amino acid residue as p.(Asp252Asn), suggesting a similar pathogenic mechanism. Given its de novo occurrence, absence in population databases, and the critical role of this residue in hypomyelination, p.(Asp252His) is considered likely pathogenic. According to ACMG guidelines, this variant fulfills criteria for pathogenic (PS2, PP3, PM5, PM2).

NM_001134232.2(TMEM106B):c.754G>C (p.Asp252His)

Gene: TMEM106B (transmembrane protein 106B; plus strand). Cytogenetic location: 7p21.3.
Variant type: single nucleotide variant.
Coding change: c.754G>C on transcript NM_001134232.2 (MANE Select); coding-DNA position 754, G replaced by C.
Protein change: p.Asp252His; replaces aspartic acid 252 with histidine.
Molecular consequence: missense variant.
Genome position (GRCh38, 1-based): chr7:12,231,904, G>C. VCF-style: chr7-12231904-G-C. GRCh37 (hg19) VCF-style: chr7-12271530-G-C.
Other names: c.754G>C, p.Asp252His (NM_018374.4); short protein forms D252H.
Identifiers: ClinVar variation 3772686 (VCV003772686.1).